The following is an entry in ClinVar:

NM_004370.6(COL12A1):c.5134G>A (p.Glu1712Lys)

Gene: COL12A1 (collagen type XII alpha 1 chain; minus strand). Cytogenetic location: 6q13.
Variant type: single nucleotide variant.
Coding change: c.5134G>A on transcript NM_004370.6 (MANE Select); coding-DNA position 5134, G replaced by A.
Protein change: p.Glu1712Lys; replaces glutamic acid 1712 with lysine.
Molecular consequence: missense variant.
Genome position (GRCh38, 1-based): chr6:75,138,544, C>T on the plus strand (G>A on the coding strand, the complement: COL12A1 is on the minus strand). VCF-style: chr6-75138544-C-T. GRCh37 (hg19) VCF-style: chr6-75848260-C-T.
Other names: c.5134G>A (NM_004370.5); c.1642G>A, p.Glu548Lys (NM_080645.3); short protein forms E548K, E1712K.
Identifiers: ClinVar variation 1488528 (VCV001488528.14), dbSNP rs778415707, ClinGen allele CA3893241.

ClinVar aggregate classification (germline): Conflicting classifications of pathogenicity. Review status: criteria provided, conflicting classifications (1 of 4 stars). 4 submissions from 4 submitters: Uncertain significance (2); Benign (1). 1 of the submissions does not count toward it. Last evaluated 2026-04-21.

Conditions:
Bethlem myopathy 2 (BTHLM2). Identifiers: Orphanet 536516, Orphanet 610, MedGen C4225313, MONDO:0034022, OMIM 616471.
Ullrich congenital muscular dystrophy 2 (UCMD2). Identifiers: Orphanet 75840, MedGen C4225314, MONDO:0014654, OMIM 616470.
COL12A1-related disorder. Also called: COL12A1-related condition.

Allele frequency attached by ClinVar (database versions not stated): gnomAD 0.00001 and 0.00004; TOPMed 0.00005; gnomAD exomes 0.00007 and 0.00014; ExAC 0.00017; 1000 Genomes Project 30x 0.00031.

Submissions (4):

Women's Health and Genetics/Laboratory Corporation of America, LabCorp
Classification: Uncertain significance. Last evaluated: 2026-04-21. Review status: criteria provided, single submitter. Criteria: LabCorp Variant Classification Summary - May 2015. Collection method: clinical testing. Allele origin: germline.
Comment: Variant summary: COL12A1 c.5134G>A (p.Glu1712Lys) results in a conservative amino acid change in the encoded protein sequence. Algorithms developed to predict the effect of missense changes on protein structure and function all suggest that this variant is likely to be tolerated. The variant allele was found at a frequency of 0.00014 in 248898 control chromosomes in the gnomAD database, including 1 homozygotes. This frequency is not significantly higher than estimated for disease-causing variants in COL12A1, allowing no conclusion about variant significance. To our knowledge, no occurrence of c.5134G>A in individuals affected with COL12A1-related conditions and no experimental evidence demonstrating its impact on protein function have been reported. ClinVar contains an entry for this variant (Variation ID: 1488528). Based on the evidence outlined above, the variant was classified as VUS-possibly benign.

Labcorp Genetics (formerly Invitae), Labcorp
Classification: Benign for Bethlem myopathy 2; Ullrich congenital muscular dystrophy 2. Last evaluated: 2025-12-02. Review status: criteria provided, single submitter. Criteria: Invitae Variant Classification Sherloc (09022015). Collection method: clinical testing. Allele origin: germline.

Revvity Omics, Revvity
Classification: Uncertain significance. Last evaluated: 2025-06-05. Review status: criteria provided, single submitter. Criteria: ACMG Guidelines, 2015. Collection method: clinical testing. Allele origin: germline.

PreventionGenetics, part of Exact Sciences
Classification: Likely benign for COL12A1-related condition. Last evaluated: 2022-09-22. Review status: no assertion criteria provided. Collection method: clinical testing. Allele origin: germline. Not counted in ClinVar's aggregate classification.
Comment: This variant is classified as likely benign based on ACMG/AMP sequence variant interpretation guidelines (Richards et al. 2015 PMID: 25741868, with internal and published modifications).